The following is an entry in ClinVar:

ClinVar aggregate classification (germline): Uncertain significance (1 of 4 stars; one submission).

Submission:

GeneDx
Classification: Uncertain significance. Last evaluated: 2016-11-22. Review status: criteria provided, single submitter. Criteria: GeneDx Variant Classification (06012015). Collection method: clinical testing. Allele origin: germline. Affected: yes.
Comment: A variant of uncertain significance has been identified in the SLC9A9 gene. The T361S variant has not been published as a pathogenic variant, nor has it been reported as a benign variant to our knowledge. It was not observed in approximately 6,500 individuals of European and African American ancestry in the NHLBI Exome Sequencing Project, indicating it is not a common benign variant in these populations. In silico analysis predicts the T361S variant is probably damaging to the protein structure/function. However, this variant is a conservative amino acid substitution, which is not likely to impact secondary protein structure as these residues share similar properties. Additionally, this substitution occurs at a position where amino acids with similar properties to Threonine are tolerated across species. Therefore, based on the currently available information, it is unclear whether the T361S variant is a pathogenic variant or a rare benign variant.

NM_173653.4(SLC9A9):c.1082C>G (p.Thr361Ser)

Gene: SLC9A9 (solute carrier family 9 member A9; minus strand). Cytogenetic location: 3q24.
Variant type: single nucleotide variant.
Coding change: c.1082C>G on transcript NM_173653.4 (MANE Select); coding-DNA position 1082, C replaced by G.
Protein change: p.Thr361Ser; replaces threonine 361 with serine.
Molecular consequence: missense variant.
Genome position (GRCh38, 1-based): chr3:143,552,369, G>C on the plus strand (C>G on the coding strand, the complement: SLC9A9 is on the minus strand). VCF-style: chr3-143552369-G-C. GRCh37 (hg19) VCF-style: chr3-143271211-G-C.
Other names: short protein forms T361S.
Identifiers: ClinVar variation 373317 (VCV000373317.1), dbSNP rs1057518347, ClinGen allele CA16042415.